The following is an entry in ClinVar:

NM_022773.4(LMF1):c.510_513del (p.Phe171fs)

Genes: LMF1 (lipase maturation factor 1; minus strand), LMF1-AS1 (LMF1 antisense RNA 1; plus strand). Cytogenetic location: 16p13.3.
Variant type: Deletion.
Coding change: c.510_513del on transcript NM_022773.4 (MANE Select); coding-DNA positions 510 to 513, 4 bases deleted (TTTC; older notation c.510_513delTTTC).
Protein change: p.Phe171fs; shifts the reading frame from phenylalanine 171.
Molecular consequence: frameshift variant. On other transcripts: non-coding transcript variant (3), 5 prime UTR variant (3).
Genome position (GRCh38, 1-based): chr16:934,245-934,248, GAAA deleted on the plus strand (TTTC on the coding strand, the reverse complement: LMF1 is on the minus strand); deleting any 4 consecutive bases within chr16:934,245-934,250 gives the same sequence; the c. name uses the placement nearest the transcript's 3' end. VCF-style (leftmost placement, unchanged base first): chr16-934244-CGAAA-C. GRCh37 (hg19) VCF-style: chr16-984244-CGAAA-C.
Other names: c.-294_-291del (NM_001352017.2); c.-45_-42del (NM_001352018.2); c.183_186del, p.Phe62fs (NM_001352019.2); c.510_513del, p.Phe171fs (NM_001352020.1); c.-196_-193del (NM_001352021.2); short protein forms F62fs, F171fs.
Identifiers: ClinVar variation 3011463 (VCV003011463.3), dbSNP rs1567270052, ClinGen allele CA620311753.

ClinVar aggregate classification (germline): Pathogenic (1 of 4 stars; one submission).

Submission:

Labcorp Genetics (formerly Invitae), Labcorp
Classification: Pathogenic. Last evaluated: 2023-07-06. Review status: criteria provided, single submitter. Criteria: Invitae Variant Classification Sherloc (09022015). Collection method: clinical testing. Allele origin: germline.
Comment: For these reasons, this variant has been classified as Pathogenic. Algorithms developed to predict the effect of sequence changes on RNA splicing suggest that this variant may disrupt the consensus splice site. This variant has not been reported in the literature in individuals affected with LMF1-related conditions. This variant is present in population databases (no rsID available, gnomAD 0.0009%). This sequence change creates a premature translational stop signal (p.Phe171Aspfs*42) in the LMF1 gene. It is expected to result in an absent or disrupted protein product. Loss-of-function variants in LMF1 are known to be pathogenic (PMID: 17994020, 19820022, 22239554).

Literature cited by the submitters: PubMed 17994020; PubMed 19820022; PubMed 22239554.